The following is an entry in ClinVar:

ClinVar aggregate classification (germline): Likely pathogenic (1 of 4 stars; one submission).

Conditions:
Alport syndrome. Also called: Hemorrhagic familial nephritis; Hemorrhagic hereditary nephritis; Congenital hereditary hematuria. Identifiers: Orphanet 63, MedGen C1567741, MONDO:0018965.

Submission:

Natera, Inc.
Classification: Likely pathogenic for Alport syndrome. Last evaluated: 2025-08-26. Review status: criteria provided, single submitter. Criteria: Natera Variant Classification Schema (03/2026). Collection method: clinical testing. Allele origin: germline.
Comment: The c.2900G>A variant in COL4A3 is a missense variant predicted to cause substitution of glycine to aspartic acid at amino acid 967. This variant is rare in the general population with a frequency below the threshold expected for the associated phenotype(s). This variant is located in a functionally critical region of the protein. Computational prediction algorithms indicate this variant is likely to affect gene or protein function. Given the available evidence, this variant is classified as Likely Pathogenic.

NM_000091.5(COL4A3):c.2900G>A (p.Gly967Asp)

Genes: COL4A3 (collagen type IV alpha 3 chain; plus strand), MFF-DT (MFF divergent transcript; minus strand). Cytogenetic location: 2q36.3.
Variant type: single nucleotide variant.
Coding change: c.2900G>A on transcript NM_000091.5 (MANE Select); coding-DNA position 2900, G replaced by A.
Protein change: p.Gly967Asp; replaces glycine 967 with aspartic acid.
Molecular consequence: missense variant.
Genome position (GRCh38, 1-based): chr2:227,289,168, G>A. VCF-style: chr2-227289168-G-A. GRCh37 (hg19) VCF-style: chr2-228153884-G-A.
Other names: short protein forms G967D.
Identifiers: ClinVar variation 4817234 (VCV004817234.1).
Genomic context (GRCh38, chr2:227,289,168, plus strand): 5'-ACCTGGCTAATTTTCTTGTTAATACCTGGTTTCTAACTTCAGGATTCGCAGGAAATCCAG[G>A]TGAGAAAGGAAACAGAGGCGTTCCAGGGATGCCAGGTTTAAAGGGCCTCAAAGGACTACC-3'
Protein context (NP_000082.2, residues 957-977): PGLKGFAGNP[Gly967Asp]EKGNRGVPGM